The following is an entry in ClinVar:

ClinVar aggregate classification (germline): Uncertain significance (1 of 4 stars; one submission).

Conditions:
Cardiovascular phenotype. Identifiers: MedGen CN230736.

Allele frequency attached by ClinVar (database versions not stated): gnomAD exomes below 0.00001.
gnomAD v4.1: 3 of 1,614,156 alleles (0.00019%); highest among the groups gnomAD compares: Non-Finnish European, 0.00025%; no homozygotes.

Submission:

Ambry Genetics
Classification: Uncertain significance for Cardiovascular phenotype. Last evaluated: 2019-12-11. Review status: criteria provided, single submitter. Criteria: Ambry Variant Classification Scheme 2023. Collection method: clinical testing. Allele origin: germline.
Comment: The p.S193A variant (also known as c.577T>G), located in coding exon 5 of the LAMA4 gene, results from a T to G substitution at nucleotide position 577. The serine at codon 193 is replaced by alanine, an amino acid with similar properties. This amino acid position is highly conserved in available vertebrate species. In addition, this alteration is predicted to be tolerated by in silico analysis. Since supporting evidence is limited at this time, the clinical significance of this alteration remains unclear.

NM_001105206.3(LAMA4):c.577T>G (p.Ser193Ala)

Gene: LAMA4 (laminin subunit alpha 4; minus strand). Cytogenetic location: 6q21.
Variant type: single nucleotide variant.
Coding change: c.577T>G on transcript NM_001105206.3 (MANE Select); coding-DNA position 577, T replaced by G.
Protein change: p.Ser193Ala; replaces serine 193 with alanine.
Molecular consequence: missense variant.
Genome position (GRCh38, 1-based): chr6:112,191,777, A>C on the plus strand (T>G on the coding strand, the complement: LAMA4 is on the minus strand). VCF-style: chr6-112191777-A-C. GRCh37 (hg19) VCF-style: chr6-112512979-A-C.
Other names: c.577T>G, p.Ser193Ala (NM_001105207.3, NM_002290.5); short protein forms S193A.
Identifiers: ClinVar variation 1749608 (VCV001749608.2), dbSNP rs1554349165, ClinGen allele CA365378272.